The following is an entry in ClinVar:

NM_022124.6(CDH23):c.4729C>T (p.Arg1577Cys)

Gene: CDH23 (cadherin related 23; plus strand). Cytogenetic location: 10q22.1.
Variant type: single nucleotide variant.
Coding change: c.4729C>T on transcript NM_022124.6 (MANE Select); coding-DNA position 4729, C replaced by T.
Protein change: p.Arg1577Cys; replaces arginine 1577 with cysteine.
Molecular consequence: missense variant.
Genome position (GRCh38, 1-based): chr10:71,741,805, C>T. VCF-style: chr10-71741805-C-T. GRCh37 (hg19) VCF-style: chr10-73501562-C-T.
Other names: c.4729C>T (NM_022124.5); short protein forms R1577C.
Identifiers: ClinVar variation 989835 (VCV000989835.5), dbSNP rs893684931, ClinGen allele CA209426520.

ClinVar aggregate classification (germline): Uncertain significance. Review status: criteria provided, multiple submitters, no conflicts (2 of 4 stars). 5 submissions from 5 submitters: Uncertain significance (4). 1 of the submissions does not count toward it. Last evaluated 2024-05-28.

Conditions:
Usher syndrome type 1 (USH1). Also called: RETINITIS PIGMENTOSA AND CONGENITAL DEAFNESS. Identifiers: Orphanet 231169, Orphanet 886, MedGen C1568247, MONDO:0010168, OMIM 276900.
Inborn genetic diseases. Identifiers: MedGen C0950123, MeSH D030342.

Allele frequency attached by ClinVar (database versions not stated): gnomAD exomes 0.00001; gnomAD 0.00001; TOPMed 0.00002.
gnomAD v4.1: 15 of 1,612,068 alleles (0.00093%); highest among the groups gnomAD compares: Middle Eastern, 0.016%; no homozygotes.

Submissions (5):

GeneDx
Classification: Uncertain significance. Last evaluated: 2024-05-28. Review status: criteria provided, single submitter. Criteria: GeneDx Variant Classification Process June 2021. Collection method: clinical testing. Allele origin: germline. Affected: yes.
Comment: Not observed at significant frequency in large population cohorts (gnomAD); In silico analysis supports that this missense variant has a deleterious effect on protein structure/function; Has not been previously published as pathogenic or benign to our knowledge

Ambry Genetics
Classification: Uncertain significance for Inborn genetic diseases. Last evaluated: 2023-11-03. Review status: criteria provided, single submitter. Criteria: Ambry Variant Classification Scheme 2023. Collection method: clinical testing. Allele origin: germline.

Labcorp Genetics (formerly Invitae), Labcorp
Classification: Uncertain significance. Last evaluated: 2022-10-17. Review status: criteria provided, single submitter. Criteria: Invitae Variant Classification Sherloc (09022015). Collection method: clinical testing. Allele origin: germline.
Comment: This sequence change replaces arginine, which is basic and polar, with cysteine, which is neutral and slightly polar, at codon 1577 of the CDH23 protein (p.Arg1577Cys). This variant is present in population databases (no rsID available, gnomAD 0.003%). This variant has not been reported in the literature in individuals affected with CDH23-related conditions. ClinVar contains an entry for this variant (Variation ID: 989835). Advanced modeling of protein sequence and biophysical properties (such as structural, functional, and spatial information, amino acid conservation, physicochemical variation, residue mobility, and thermodynamic stability) has been performed at Invitae for this missense variant, however the output from this modeling did not meet the statistical confidence thresholds required to predict the impact of this variant on CDH23 protein function. In summary, the available evidence is currently insufficient to determine the role of this variant in disease. Therefore, it has been classified as a Variant of Uncertain Significance.

Blueprint Genetics
Classification: Uncertain significance. Last evaluated: 2018-08-01. Review status: criteria provided, single submitter. Criteria: ACMG Guidelines, 2015. Collection method: clinical testing. Allele origin: germline.

Natera, Inc.
Classification: Uncertain significance for Usher syndrome type 1. Last evaluated: 2020-04-15. Review status: no assertion criteria provided. Collection method: clinical testing. Allele origin: germline. Not counted in ClinVar's aggregate classification.